The following is an entry in ClinVar:

NM_001018115.3(FANCD2):c.1656+3A>G

Genes: FANCD2 (FA complementation group D2; plus strand), LOC107303338 (3p25 FANCD2 Alu-mediated recombination region; plus strand). Cytogenetic location: 3p25.3.
Variant type: single nucleotide variant.
Coding change: c.1656+3A>G on transcript NM_001018115.3 (MANE Select); 3 bases into the intron after coding-DNA position 1656, A replaced by G.
Molecular consequence: intron variant.
Genome position (GRCh38, 1-based): chr3:10,052,500, A>G. VCF-style: chr3-10052500-A-G. GRCh37 (hg19) VCF-style: chr3-10094184-A-G.
Other names: c.1656+3A>G (NM_001319984.2, NM_033084.6, NM_001374254.1); c.1545+2995A>G (NM_001374253.1).
Identifiers: ClinVar variation 1679041 (VCV001679041.3), dbSNP rs2087247418, ClinGen allele CA1345036738.

ClinVar aggregate classification (germline): Conflicting classifications of pathogenicity. Review status: criteria provided, conflicting classifications (1 of 4 stars). 2 submissions from 2 submitters: Uncertain significance (1); Likely benign (1). Last evaluated 2024-12-03.

Conditions:
Hereditary breast ovarian cancer syndrome. Also called: Hereditary breast and ovarian cancer syndrome; BRCA1- and BRCA2-Associated Hereditary Breast and Ovarian Cancer; Hereditary breast and ovarian cancer syndrome (HBOC); Hereditary breast and/or ovarian cancer syndrome; Breast and ovarian cancer; Hereditary breast and ovarian cancer. Identifiers: Orphanet 145, MedGen C0677776, MeSH D061325, MONDO:0003582. Disease mechanism: loss of function.
Fanconi anemia (FA). Also called: Fanconi's anemia. Identifiers: Orphanet 84, MedGen C0015625, MeSH D005199, MONDO:0019391.

Allele frequency attached by ClinVar (database versions not stated): TOPMed below 0.00001; gnomAD exomes 0.00001.
gnomAD v4.1: 9 of 1,597,288 alleles (0.00056%); highest among the groups gnomAD compares: Non-Finnish European, 0.00077%; no homozygotes.

Submissions (2):

Labcorp Genetics (formerly Invitae), Labcorp
Classification: Uncertain significance for Fanconi anemia. Last evaluated: 2024-12-03. Review status: criteria provided, single submitter. Criteria: Invitae Variant Classification Sherloc (09022015). Collection method: clinical testing. Allele origin: germline.
Comment: This sequence change falls in intron 18 of the FANCD2 gene. It does not directly change the encoded amino acid sequence of the FANCD2 protein. It affects a nucleotide within the consensus splice site. This variant is not present in population databases (gnomAD no frequency). This variant has not been reported in the literature in individuals affected with FANCD2-related conditions. ClinVar contains an entry for this variant (Variation ID: 1679041). Variants that disrupt the consensus splice site are a relatively common cause of aberrant splicing (PMID: 17576681, 9536098). Algorithms developed to predict the effect of sequence changes on RNA splicing suggest that this variant is not likely to affect RNA splicing. In summary, the available evidence is currently insufficient to determine the role of this variant in disease. Therefore, it has been classified as a Variant of Uncertain Significance.

National Health Laboratory Service, Universitas Academic Hospital and University of the Free State
Classification: Likely benign for Hereditary breast ovarian cancer syndrome. Last evaluated: 2022-04-19. Review status: criteria provided, single submitter. Criteria: ACMG Guidelines, 2015. Collection method: clinical testing. Allele origin: germline. Affected: yes. Observed: 1 variant allele.

Literature cited by the submitters: PubMed 17576681 (cited by Labcorp Genetics (formerly Invitae), Labcorp); PubMed 9536098 (cited by Labcorp Genetics (formerly Invitae), Labcorp).